The following is an entry in ClinVar:

NM_005732.4(RAD50):c.25A>C (p.Ile9Leu)

Gene: RAD50 (RAD50 double strand break repair protein; plus strand). Cytogenetic location: 5q31.1.
Variant type: single nucleotide variant.
Coding change: c.25A>C on transcript NM_005732.4 (MANE Select); coding-DNA position 25, A replaced by C.
Protein change: p.Ile9Leu; replaces isoleucine 9 with leucine.
Molecular consequence: missense variant.
Genome position (GRCh38, 1-based): chr5:132,557,349, A>C. VCF-style: chr5-132557349-A-C. GRCh37 (hg19) VCF-style: chr5-131893041-A-C.
Other names: short protein forms I9L.
Identifiers: ClinVar variation 1372136 (VCV001372136.6), dbSNP rs1750019317, ClinGen allele CA360950836.

ClinVar aggregate classification (germline): Uncertain significance (1 of 4 stars; one submission).

Conditions:
Hereditary cancer-predisposing syndrome. Also called: Neoplastic Syndromes, Hereditary; Tumor predisposition; Hereditary neoplastic syndrome; Hereditary Cancer Syndrome. Identifiers: Orphanet 140162, MedGen C0027672, MeSH D009386, MONDO:0015356.

Allele frequency attached by ClinVar (database versions not stated): TOPMed below 0.00001.

Submission:

Labcorp Genetics (formerly Invitae), Labcorp
Classification: Uncertain significance for Hereditary cancer-predisposing syndrome. Last evaluated: 2025-11-10. Review status: criteria provided, single submitter. Criteria: Invitae Variant Classification Sherloc (09022015). Collection method: clinical testing. Allele origin: germline.
Comment: This sequence change replaces isoleucine, which is neutral and non-polar, with leucine, which is neutral and non-polar, at codon 9 of the RAD50 protein (p.Ile9Leu). This variant is not present in population databases (gnomAD no frequency). This variant has not been reported in the literature in individuals affected with RAD50-related conditions. ClinVar contains an entry for this variant (Variation ID: 1372136). Invitae Evidence Modeling of protein sequence and biophysical properties (such as structural, functional, and spatial information, amino acid conservation, physicochemical variation, residue mobility, and thermodynamic stability) indicates that this missense variant is expected to disrupt RAD50 protein function with a positive predictive value of 80%. In summary, the available evidence is currently insufficient to determine the role of this variant in disease. Therefore, it has been classified as a Variant of Uncertain Significance.